The following is an entry in ClinVar:

ClinVar aggregate classification (germline): Uncertain significance (1 of 4 stars; one submission).

Conditions:
Dyskeratosis congenita, autosomal dominant 2. Identifiers: MedGen C3151443, MONDO:0013521, OMIM 613989.
Idiopathic Pulmonary Fibrosis. Also called: Idiopathic fibrosing alveolitis, chronic form; idiopathic fibrosing alveolitis. Identifiers: Orphanet 2032, MedGen C1800706, MeSH D054990, MONDO:0800504.

Submission:

Labcorp Genetics (formerly Invitae), Labcorp
Classification: Uncertain significance for Dyskeratosis congenita, autosomal dominant 2; Idiopathic Pulmonary Fibrosis. Last evaluated: 2020-04-14. Review status: criteria provided, single submitter. Criteria: Invitae Variant Classification Sherloc (09022015). Collection method: clinical testing. Allele origin: germline.
Comment: This sequence change replaces threonine with proline at codon 1039 of the TERT protein (p.Thr1039Pro). The threonine residue is weakly conserved and there is a small physicochemical difference between threonine and proline. This variant is not present in population databases (ExAC no frequency). This variant has not been reported in the literature in individuals with TERT-related conditions. Algorithms developed to predict the effect of missense changes on protein structure and function are either unavailable or do not agree on the potential impact of this missense change (SIFT: "Tolerated"; PolyPhen-2: "Possibly Damaging"; Align-GVGD: "Class C0"). In summary, the available evidence is currently insufficient to determine the role of this variant in disease. Therefore, it has been classified as a Variant of Uncertain Significance.

NM_198253.3(TERT):c.3115A>C (p.Thr1039Pro)

Gene: TERT (telomerase reverse transcriptase; minus strand). Cytogenetic location: 5p15.33.
Variant type: single nucleotide variant.
Coding change: c.3115A>C on transcript NM_198253.3 (MANE Select); coding-DNA position 3115, A replaced by C.
Protein change: p.Thr1039Pro; replaces threonine 1039 with proline.
Molecular consequence: missense variant. On other transcripts: non-coding transcript variant (2).
Genome position (GRCh38, 1-based): chr5:1,255,329, T>G on the plus strand (A>C on the coding strand, the complement: TERT is on the minus strand). VCF-style: chr5-1255329-T-G. GRCh37 (hg19) VCF-style: chr5-1255444-T-G.
Other names: c.2926A>C, p.Thr976Pro (NM_001193376.3); short protein forms T976P, T1039P.
Identifiers: ClinVar variation 1037498 (VCV001037498.9), dbSNP rs1747640936, ClinGen allele CA359068128.